The following is an entry in ClinVar:

NM_000152.5(GAA):c.547-5T>G

Gene: GAA (alpha glucosidase; plus strand). Cytogenetic location: 17q25.3.
Variant type: single nucleotide variant.
Coding change: c.547-5T>G on transcript NM_000152.5 (MANE Select); 5 bases into the intron before coding-DNA position 547, T replaced by G.
Molecular consequence: intron variant.
Genome position (GRCh38, 1-based): chr17:80,105,744, T>G. VCF-style: chr17-80105744-T-G. GRCh37 (hg19) VCF-style: chr17-78079543-T-G.
Other names: p.?; c.547-5T>G (NM_001406741.1, NM_001406742.1, NM_001079803.3 and 1 more transcripts).
Identifiers: ClinVar variation 4684255 (VCV004684255.1).

ClinVar aggregate classification (germline): Likely benign (1 of 4 stars; one submission).

gnomAD v4.1: 2 of 1,612,132 alleles (0.00012%); highest among the groups gnomAD compares: Non-Finnish European, 0.00017%; no homozygotes.

Submission:

Mayo Clinic Laboratories, Mayo Clinic
Classification: Likely benign. Last evaluated: 2025-10-21. Review status: criteria provided, single submitter. Criteria: ACMG Guidelines, 2015. Collection method: clinical testing. Allele origin: germline. Observed: 1 variant allele.
Comment: BP4, BP7, PM2_supporting